The following is an entry in ClinVar:

NM_022051.3(EGLN1):c.999C>G (p.Asp333Glu)

Gene: EGLN1 (egl-9 family hypoxia inducible factor 1; minus strand). Cytogenetic location: 1q42.2.
Variant type: single nucleotide variant.
Coding change: c.999C>G on transcript NM_022051.3 (MANE Select); coding-DNA position 999, C replaced by G.
Protein change: p.Asp333Glu; replaces aspartic acid 333 with glutamic acid.
Molecular consequence: missense variant.
Genome position (GRCh38, 1-based): chr1:231,373,992, G>C on the plus strand (C>G on the coding strand, the complement: EGLN1 is on the minus strand). VCF-style: chr1-231373992-G-C. GRCh37 (hg19) VCF-style: chr1-231509738-G-C.
Other names: c.999C>G, p.Asp333Glu (NM_001377260.1, NM_001377261.1); short protein forms D333E.
Identifiers: ClinVar variation 1768849 (VCV001768849.2), dbSNP rs746020646, ClinGen allele CA1453050.
Genomic context (GRCh38, chr1:231,373,992, plus strand): 5'-AAAAAGACACCTGTAAGAAAAAAATAAATGCTCAATTAAGTTGCATACCTTGGCATCCCA[G>C]TCTTTATTAAGATAATATATACATGTCACACATCTTCCATCTCCATTTGGATTATCAACA-3'
Protein context (NP_071334.1, residues 323-343): CVTCIYYLNK[Asp333Glu]WDAKVSGGIL

ClinVar aggregate classification (germline): Uncertain significance (1 of 4 stars; one submission).

Allele frequency attached by ClinVar (database versions not stated): ExAC 0.00001.
gnomAD v4.1: 1 of 1,613,714 alleles (0.000062%); highest among the groups gnomAD compares: South Asian, 0.0011%; no homozygotes.

Submission:

Ambry Genetics
Classification: Uncertain significance. Last evaluated: 2021-12-20. Review status: criteria provided, single submitter. Criteria: Ambry Variant Classification Scheme 2023. Collection method: clinical testing. Allele origin: germline.
Comment: The p.D333E variant (also known as c.999C>G), located in coding exon 2 of the EGLN1 gene, results from a C to G substitution at nucleotide position 999. The aspartic acid at codon 333 is replaced by glutamic acid, an amino acid with highly similar properties. This amino acid position is conserved. In addition, this alteration is predicted to be tolerated by in silico analysis. Since supporting evidence is limited at this time, the clinical significance of this alteration remains unclear.